The following is an entry in ClinVar:

NM_022552.5(DNMT3A):c.492+61C>T

Genes: DNMT3A (DNA methyltransferase 3 alpha; minus strand), LOC129933290 (ATAC-STARR-seq lymphoblastoid active region 15445; plus strand). Cytogenetic location: 2p23.3.
Variant type: single nucleotide variant.
Coding change: c.492+61C>T on transcript NM_022552.5 (MANE Select); 61 bases into the intron after coding-DNA position 492, C replaced by T.
Molecular consequence: intron variant.
Genome position (GRCh38, 1-based): chr2:25,275,439, G>A on the plus strand (C>T on the coding strand, the complement: DNMT3A is on the minus strand). VCF-style: chr2-25275439-G-A. GRCh37 (hg19) VCF-style: chr2-25498308-G-A.
Other names: c.492+61C>T (NM_175629.2).
Identifiers: ClinVar variation 4819198 (VCV004819198.1).

ClinVar aggregate classification (germline): Uncertain significance (1 of 4 stars; one submission).

Conditions:
Tatton-Brown-Rahman overgrowth syndrome. Also called: Tatton-Brown-Rahman syndrome; Tall stature-intellectual disability-facial dysmorphism syndrome. Identifiers: Orphanet 404443, MedGen C4014545, MONDO:0014382, OMIM 615879.

gnomAD v4.1: 3 of 1,371,070 alleles (0.00022%); highest among the groups gnomAD compares: Non-Finnish European, 0.0002%; no homozygotes.

Submission:

Human Genome Sequencing Center Clinical Lab, Baylor College of Medicine
Classification: Uncertain significance for Tatton-Brown-Rahman syndrome. Last evaluated: 2024-10-15. Review status: criteria provided, single submitter. Criteria: ACMG Guidelines, 2015. Collection method: clinical testing. Allele origin: de novo. Affected: yes.
Comment: The c.492+61C>T variant of the DNMT3A gene is located in intron 5. This variant is predicted to cause aberrant splicing resulting in disrupted protein product (SpliceAI: 0.26). This prediction has not been confirmed by functional studies. Loss-of-function variants in DNMT3A have been reported in individuals with Tatton-Brown-Rahman syndrome (TBRS) (PMID: 24614070, 29900417, 31685998). This variant is found to be extremely rare (3/1371070; 0.000002188) in the general population database (gnomAD). Based on these evidence, the c.492+61C>T variant in DNMT3A is interpreted as a variant of uncertain significance.

Literature cited by the submitters: PubMed 24614070; PubMed 29900417; PubMed 31685998.